The following is an entry in ClinVar:

NM_000478.6(ALPL):c.871G>T (p.Glu291Ter)

Gene: ALPL (alkaline phosphatase, biomineralization associated; plus strand). Cytogenetic location: 1p36.12.
Variant type: single nucleotide variant.
Coding change: c.871G>T on transcript NM_000478.6 (MANE Select); coding-DNA position 871, G replaced by T.
Protein change: p.Glu291Ter; replaces glutamic acid 291 with a stop codon.
Molecular consequence: nonsense.
Genome position (GRCh38, 1-based): chr1:21,573,673, G>T. VCF-style: chr1-21573673-G-T. GRCh37 (hg19) VCF-style: chr1-21900166-G-T.
Other names: c.706G>T, p.Glu236Ter (NM_001127501.4); c.640G>T, p.Glu214Ter (NM_001177520.3); c.871G>T, p.Glu291Ter (NM_001369803.2, NM_001369804.2, NM_001369805.2); short protein forms E236*, E291*, E214*.
Identifiers: ClinVar variation 2202717 (VCV002202717.5), dbSNP rs786204473, ClinGen allele CA338880178.
Genomic context (GRCh38, chr1:21,573,673, plus strand): 5'-CTAGCCGGGTCACAGCCTCTCAGCATCCACATCCTCCTGGCGTCCTCCTCAGGTCTCTTC[G>T]AGCCAGGGGACATGCAGTACGAGCTGAACAGGAACAACGTGACGGACCCGTCACTCTCCG-3'

ClinVar aggregate classification (germline): Pathogenic. Review status: criteria provided, multiple submitters, no conflicts (2 of 4 stars). 2 submissions from 2 submitters: Pathogenic (2). Last evaluated 2025-08-29.

Conditions:
Hypophosphatasia. Also called: Phosphoethanol-aminuria. Identifiers: Orphanet 436, MedGen C0020630, MeSH D007014, MONDO:0018570.

Submissions (2):

Genomenon, Inc
Classification: Pathogenic for Hypophosphatasia. Last evaluated: 2025-08-29. Review status: criteria provided, single submitter. Criteria: Genomenon Sequence Variant Interpretation Standards. Collection method: curation. Allele origin: germline. Affected: yes.
Comment: ALPL c.871G>T is a nonsense variant that introduces a premature stop codon at amino acid position 291, creating a truncated protein that is predicted to undergo nonsense-mediated mRNA decay. This variant has been observed in a proband affected with hypophosphatasia (PMID:10679946). At least one functional study has demonstrated a substantial alteration in protein function relative to the wild-type (PMID:32160374). It is absent or not present at a significant frequency in gnomAD. In conclusion, we classify ALPL p.Glu274Ter (c.871G>T) as a pathogenic variant.

Labcorp Genetics (formerly Invitae), Labcorp
Classification: Pathogenic. Last evaluated: 2025-01-25. Review status: criteria provided, single submitter. Criteria: Invitae Variant Classification Sherloc (09022015). Collection method: clinical testing. Allele origin: germline.
Comment: This sequence change creates a premature translational stop signal (p.Glu291*) in the ALPL gene. It is expected to result in an absent or disrupted protein product. Loss-of-function variants in ALPL are known to be pathogenic (PMID: 3174660, 10679946, 32973344, 33814268). This variant is not present in population databases (gnomAD no frequency). This premature translational stop signal has been observed in individual(s) with hypophosphatasia (PMID: 10679946). This variant is also known as E274X. ClinVar contains an entry for this variant (Variation ID: 2202717). For these reasons, this variant has been classified as Pathogenic.

Literature cited by the submitters: PubMed 10679946 (cited by Genomenon, Inc and Labcorp Genetics (formerly Invitae), Labcorp); PubMed 32160374 (cited by Genomenon, Inc); PubMed 3174660 (cited by Labcorp Genetics (formerly Invitae), Labcorp); PubMed 32973344 (cited by Labcorp Genetics (formerly Invitae), Labcorp); PubMed 33814268 (cited by Labcorp Genetics (formerly Invitae), Labcorp).